The following is an entry in ClinVar:

ClinVar aggregate classification (germline): Uncertain significance. Review status: criteria provided, multiple submitters, no conflicts (2 of 4 stars). 2 submissions from 2 submitters: Uncertain significance (2). Last evaluated 2026-09-14.

Conditions:
Cardiovascular phenotype. Identifiers: MedGen CN230736.
Noonan syndrome 9 (NS9). Identifiers: Orphanet 648, MedGen C4225282, MONDO:0014691, OMIM 616559.

Allele frequency attached by ClinVar (database versions not stated): gnomAD exomes below 0.00001.
gnomAD v4.1: 1 of 1,613,994 alleles (0.000062%); highest among the groups gnomAD compares: Non-Finnish European, 0.000085%; no homozygotes.

Submissions (2):

Ambry Genetics
Classification: Uncertain significance for Cardiovascular phenotype. Last evaluated: 2026-09-14. Review status: criteria provided, single submitter. Criteria: Ambry Variant Classification Scheme 2023. Collection method: clinical testing. Allele origin: germline.
Comment: The p.N1087S variant (also known as c.3260A>G), located in coding exon 20 of the SOS2 gene, results from an A to G substitution at nucleotide position 3260. The asparagine at codon 1087 is replaced by serine, an amino acid with highly similar properties. This amino acid position is conserved. In addition, this alteration is predicted to be tolerated by in silico analysis. Based on the available evidence, the clinical significance of this variant remains unclear.

Labcorp Genetics (formerly Invitae), Labcorp
Classification: Uncertain significance for Noonan syndrome 9. Last evaluated: 2024-11-30. Review status: criteria provided, single submitter. Criteria: Invitae Variant Classification Sherloc (09022015). Collection method: clinical testing. Allele origin: germline.
Comment: This sequence change replaces asparagine, which is neutral and polar, with serine, which is neutral and polar, at codon 1087 of the SOS2 protein (p.Asn1087Ser). This variant is not present in population databases (gnomAD no frequency). This variant has not been reported in the literature in individuals affected with SOS2-related conditions. ClinVar contains an entry for this variant (Variation ID: 2006451). Invitae Evidence Modeling of protein sequence and biophysical properties (such as structural, functional, and spatial information, amino acid conservation, physicochemical variation, residue mobility, and thermodynamic stability) indicates that this missense variant is not expected to disrupt SOS2 protein function with a negative predictive value of 95%. In summary, the available evidence is currently insufficient to determine the role of this variant in disease. Therefore, it has been classified as a Variant of Uncertain Significance.

NM_006939.4(SOS2):c.3260A>G (p.Asn1087Ser)

Gene: SOS2 (SOS Ras/Rho guanine nucleotide exchange factor 2; minus strand). Cytogenetic location: 14q21.3.
Variant type: single nucleotide variant.
Coding change: c.3260A>G on transcript NM_006939.4 (MANE Select); coding-DNA position 3260, A replaced by G.
Protein change: p.Asn1087Ser; replaces asparagine 1087 with serine.
Molecular consequence: missense variant.
Genome position (GRCh38, 1-based): chr14:50,130,578, T>C on the plus strand (A>G on the coding strand, the complement: SOS2 is on the minus strand). VCF-style: chr14-50130578-T-C. GRCh37 (hg19) VCF-style: chr14-50597296-T-C.
Other names: c.3161A>G, p.Asn1054Ser (NM_001411020.1); short protein forms N1054S, N1087S.
Identifiers: ClinVar variation 2006451 (VCV002006451.6), dbSNP rs1883836729, ClinGen allele CA389640508.